The following is an entry in ClinVar:

NM_014956.5(CEP164):c.1491C>T (p.Gly497=)

Gene: CEP164 (centrosomal protein 164; plus strand). Cytogenetic location: 11q23.3.
Variant type: single nucleotide variant.
Coding change: c.1491C>T on transcript NM_014956.5 (MANE Select); coding-DNA position 1491, C replaced by T.
Protein change: p.Gly497=; no amino-acid change (glycine 497 retained).
Molecular consequence: synonymous variant.
Genome position (GRCh38, 1-based): chr11:117,381,782, C>T. VCF-style: chr11-117381782-C-T. GRCh37 (hg19) VCF-style: chr11-117252498-C-T.
Other names: c.1500C>T, p.Gly500= (NM_001271933.2); c.1491C>T (NM_014956.4).
Identifiers: ClinVar variation 1115660 (VCV001115660.10), dbSNP rs762218626, ClinGen allele CA6294776.
Genomic context (GRCh38, chr11:117,381,782, plus strand): 5'-CGAGGAGCGGGCCCAGAGTCCCCCTCGCAGCCTGGCCACTGAAGAAGAGCCTCCCCAGGG[C>T]CCCGAGGGGCAGCCCGAGTGGAAGGAGGCAGAGGAGCTTGGGGAGGACTCTGCAGCCAGC-3'
Protein context (NP_055771.4, residues 487-507): SLATEEEPPQ[Gly497=]PEGQPEWKEA

ClinVar aggregate classification (germline): Likely benign. Review status: criteria provided, multiple submitters, no conflicts (2 of 4 stars). 2 submissions from 2 submitters: Likely benign (2). Last evaluated 2025-11-28.

Conditions:
Nephronophthisis 15 (NPHP15). Identifiers: Orphanet 3156, MedGen C3541853, MONDO:0013917, OMIM 614845.
CEP164-related disorder. Also called: CEP164-related condition.

Allele frequency attached by ClinVar (database versions not stated): gnomAD exomes below 0.00001; TOPMed below 0.00001; ExAC 0.00002.
gnomAD v4.1: 5 of 1,591,572 alleles (0.00031%); highest among the groups gnomAD compares: Middle Eastern, 0.017%; no homozygotes.

Submissions (2):

PreventionGenetics, part of Exact Sciences
Classification: Likely benign for CEP164-related condition. Last evaluated: 2025-11-28. Review status: criteria provided, single submitter. Criteria: ACMG Guidelines, 2015. Collection method: clinical testing. Allele origin: germline.
Comment: This variant is classified as likely benign based on ACMG/AMP sequence variant interpretation guidelines (Richards et al. 2015 PMID: 25741868, with internal and published modifications).

Labcorp Genetics (formerly Invitae), Labcorp
Classification: Likely benign for Nephronophthisis 15. Last evaluated: 2025-04-14. Review status: criteria provided, single submitter. Criteria: Invitae Variant Classification Sherloc (09022015). Collection method: clinical testing. Allele origin: germline.